The following is an entry in ClinVar:

NM_000161.3(GCH1):c.626C>G (p.Thr209Arg)

Gene: GCH1 (GTP cyclohydrolase 1; minus strand). Cytogenetic location: 14q22.2.
Variant type: single nucleotide variant.
Coding change: c.626C>G on transcript NM_000161.3 (MANE Select); coding-DNA position 626, C replaced by G.
Protein change: p.Thr209Arg; replaces threonine 209 with arginine.
Molecular consequence: missense variant. On other transcripts: intron variant (1).
Genome position (GRCh38, 1-based): chr14:54,845,768, G>C on the plus strand (C>G on the coding strand, the complement: GCH1 is on the minus strand). VCF-style: chr14-54845768-G-C. GRCh37 (hg19) VCF-style: chr14-55312486-G-C.
Other names: c.626C>G, p.Thr209Arg (NM_001024024.2, NM_001024070.2, NM_001024071.2); c.332C>G, p.Thr111Arg (NM_001424105.1); c.510-2714C>G (NM_001424104.1); short protein forms T111R, T209R.
Identifiers: ClinVar variation 4688428 (VCV004688428.2).

ClinVar aggregate classification (germline): Uncertain significance. Review status: criteria provided, multiple submitters, no conflicts (2 of 4 stars). 2 submissions from 2 submitters: Uncertain significance (2). Last evaluated 2025-12-10.

Conditions:
GTP cyclohydrolase I deficiency. Identifiers: MedGen C0268467, MONDO:0100184.
Dystonia 5 (DRD). Also called: GTP Cyclohydrolase 1-Deficient Dopa-Responsive Dystonia; DYT-GCH1; DYSTONIA, PROGRESSIVE, WITH DIURNAL VARIATION; DYSTONIA-PARKINSONISM WITH DIURNAL FLUCTUATION; Dystonia, DOPA-responsive, with or without hyperphenylalaninemia. Identifiers: Orphanet 98808, MedGen C1851920, MONDO:0007495, OMIM 128230.

gnomAD v4.1: 18 of 1,560,946 alleles (0.0012%); highest among the groups gnomAD compares: Non-Finnish European, 0.0015%; no homozygotes.

Submissions (2):

Women's Health and Genetics/Laboratory Corporation of America, LabCorp
Classification: Uncertain significance. Last evaluated: 2025-12-10. Review status: criteria provided, single submitter. Criteria: LabCorp Variant Classification Summary - May 2015. Collection method: clinical testing. Allele origin: germline.
Comment: Variant summary: GCH1 c.626C>G (p.Thr209Arg) results in a non-conservative amino acid change in the encoded protein sequence. Algorithms developed to predict the effect of missense changes on protein structure and function all suggest that this variant is likely to be disruptive. Consensus agreement among computation tools predict no significant impact on normal splicing. However, these predictions have yet to be confirmed by functional studies. The variant allele was found at a frequency of 4e-06 in 251250 control chromosomes. The available data on variant occurrences in the general population are insufficient to allow any conclusion about variant significance. To our knowledge, no occurrence of c.626C>G in individuals affected with GCH1-related conditions and no experimental evidence demonstrating its impact on protein function have been reported. No submitters have cited clinical-significance assessments for this variant to ClinVar. Based on the evidence outlined above, the variant was classified as uncertain significance.

Labcorp Genetics (formerly Invitae), Labcorp
Classification: Uncertain significance for GTP cyclohydrolase I deficiency; Dystonia 5. Last evaluated: 2025-11-23. Review status: criteria provided, single submitter. Criteria: Invitae Variant Classification Sherloc (09022015). Collection method: clinical testing. Allele origin: germline.
Comment: This sequence change replaces threonine, which is neutral and polar, with arginine, which is basic and polar, at codon 209 of the GCH1 protein (p.Thr209Arg). This variant is present in population databases (no rsID available, gnomAD 0.006%). This variant has not been reported in the literature in individuals affected with GCH1-related conditions. An algorithm developed to predict the effect of missense changes on protein structure and function (PolyPhen-2) suggests that this variant is likely to be disruptive. This variant disrupts the p.Thr209 amino acid residue in GCH1. Other variant(s) that disrupt this residue have been observed in individuals with GCH1-related conditions (PMID: 18044725), which suggests that this may be a clinically significant amino acid residue. In summary, the available evidence is currently insufficient to determine the role of this variant in disease. Therefore, it has been classified as a Variant of Uncertain Significance.

Literature cited by the submitters: PubMed 18044725 (cited by Labcorp Genetics (formerly Invitae), Labcorp).